The following is an entry in ClinVar:

ClinVar aggregate classification (germline): Likely benign. Review status: criteria provided, multiple submitters, no conflicts (2 of 4 stars). 4 submissions from 4 submitters: Likely benign (4). Last evaluated 2025-07-01.

Conditions:
Inborn genetic diseases. Identifiers: MedGen C0950123, MeSH D030342.

Allele frequency attached by ClinVar (database versions not stated): gnomAD 0.00001; gnomAD exomes 0.00001 and 0.00002; TOPMed 0.00001; ExAC 0.00002.
gnomAD v4.1: 14 of 1,614,114 alleles (0.00087%); highest among the groups gnomAD compares: East Asian, 0.013%; no homozygotes.

Submissions (4):

CeGaT Center for Human Genetics Tuebingen
Classification: Likely benign. Last evaluated: 2025-07-01. Review status: criteria provided, single submitter. Criteria: CeGaT Center For Human Genetics Tuebingen Variant Classification Criteria Version 2. Collection method: clinical testing. Allele origin: germline. Affected: yes. Observed: 1 variant allele.
Comment: MDH2: BP4, BP7

Labcorp Genetics (formerly Invitae), Labcorp
Classification: Likely benign. Last evaluated: 2024-01-22. Review status: criteria provided, single submitter. Criteria: Invitae Variant Classification Sherloc (09022015). Collection method: clinical testing. Allele origin: germline.

Blueprint Genetics
Classification: Likely benign. Last evaluated: 2023-10-06. Review status: criteria provided, single submitter. Criteria: ACMG Guidelines, 2015. Collection method: clinical testing. Allele origin: germline.

Ambry Genetics
Classification: Likely benign for Inborn genetic diseases. Last evaluated: 2022-03-20. Review status: criteria provided, single submitter. Criteria: Ambry Variant Classification Scheme 2023. Collection method: clinical testing. Allele origin: germline.

NM_005918.4(MDH2):c.579C>T (p.Asn193=)

Gene: MDH2 (malate dehydrogenase 2; plus strand). Cytogenetic location: 7q11.23.
Variant type: single nucleotide variant.
Coding change: c.579C>T on transcript NM_005918.4 (MANE Select); coding-DNA position 579, C replaced by T.
Protein change: p.Asn193=; no amino-acid change (asparagine 193 retained).
Molecular consequence: synonymous variant.
Genome position (GRCh38, 1-based): chr7:76,063,538, C>T. VCF-style: chr7-76063538-C-T. GRCh37 (hg19) VCF-style: chr7-75692856-C-T.
Other names: c.453C>T, p.Asn151= (NM_001282403.2); c.258C>T, p.Asn86= (NM_001282404.2).
Identifiers: ClinVar variation 1534021 (VCV001534021.19), dbSNP rs781895477, ClinGen allele CA4305607.